The following is an entry in ClinVar:

ClinVar aggregate classification (germline): Uncertain significance (1 of 4 stars; one submission).
ClinVar aggregate classification (somatic clinical impact): Tier I - Strong (1 of 4 stars; one submission).
ClinVar aggregate classification (oncogenicity): Likely oncogenic (1 of 4 stars; one submission).

Conditions:
EGFR-related lung cancer (EGFR). Identifiers: MedGen CN130014.
Diffuse midline glioma, H3 K27M-mutant. Identifiers: MedGen C4289688, MONDO:0957196.
Neoplasm. Also called: Neoplasms; Neoplasm (disease); tumor. Identifiers: MedGen C0027651, MeSH D009369, MONDO:0005070, HP:0002664.

Allele frequency attached by ClinVar (database versions not stated): ExAC 0.00001.

Submissions (3):

Center for Genomic Medicine, Rigshospitalet, Copenhagen University Hospital
Classification: Likely oncogenic for Neoplasm. Last evaluated: 2025-03-04. Review status: criteria provided, single submitter. Criteria: ClinGen/CGC/VICC Guidelines for Oncogenicity, 2022. Collection method: clinical testing. Allele origin: somatic. Affected: yes.

Institute for Genomic Medicine (IGM) Clinical Laboratory, Nationwide Children's Hospital
Classification: Tier I - Strong for Diffuse midline glioma, H3 K27M-mutant. Assertion type: diagnostic. Clinical significance: supports diagnosis. Last evaluated: 2024-11-14. Review status: criteria provided, single submitter. Criteria: AMP/ASCO/CAP Guidelines, 2017. Collection method: clinical testing. Allele origin: somatic. Affected: yes.
Comment: Variant has Tier I (strong) clinical significance as a diagnostic inclusion criterion in diffuse midline glioma, H3 K27M-mutant, based on the following evidence: 1) Documented in one or more cancer databases (e.g., St. Jude Pecan, COSMIC, CIViC, OncoKB). 2) Appears in one or more well-established professional guidelines (e.g., World Health Organization [WHO]; National Comprehensive Cancer Network [NCCN]) as providing diagnostic, prognostic, or therapeutic information. 3) Information in the literature supports potential biologic effect of variant (PMIDs: 17177598, 32303840). 4) Diagnostic for a specific tumor type/classification according to professional guidelines (Evidence Level A; PMIDs: 33130881, 32303840, 28966033, 24705251, 29763623, 28912153).

Labcorp Genetics (formerly Invitae), Labcorp
Classification: Uncertain significance for EGFR-related lung cancer. Last evaluated: 2023-09-23. Review status: criteria provided, single submitter. Criteria: Invitae Variant Classification Sherloc (09022015). Collection method: clinical testing. Allele origin: germline.
Comment: In summary, the available evidence is currently insufficient to determine the role of this variant in disease. Therefore, it has been classified as a Variant of Uncertain Significance. Advanced modeling of protein sequence and biophysical properties (such as structural, functional, and spatial information, amino acid conservation, physicochemical variation, residue mobility, and thermodynamic stability) performed at Invitae indicates that this missense variant is not expected to disrupt EGFR protein function. ClinVar contains an entry for this variant (Variation ID: 376395). This variant has not been reported in the literature in individuals affected with EGFR-related conditions. This variant is not present in population databases (gnomAD no frequency). This sequence change replaces alanine, which is neutral and non-polar, with threonine, which is neutral and polar, at codon 289 of the EGFR protein (p.Ala289Thr).

Literature cited by the submitters: PubMed 29533785 (cited by Center for Genomic Medicine, Rigshospitalet, Copenhagen University Hospital); PubMed 35140400 (cited by Center for Genomic Medicine, Rigshospitalet, Copenhagen University Hospital); PubMed 17177598 (cited by Institute for Genomic Medicine (IGM) Clinical Laboratory, Nationwide Children's Hospital); PubMed 32303840 (cited by Institute for Genomic Medicine (IGM) Clinical Laboratory, Nationwide Children's Hospital); PubMed 33130881 (cited by Institute for Genomic Medicine (IGM) Clinical Laboratory, Nationwide Children's Hospital); PubMed 28966033 (cited by Institute for Genomic Medicine (IGM) Clinical Laboratory, Nationwide Children's Hospital); PubMed 24705251 (cited by Institute for Genomic Medicine (IGM) Clinical Laboratory, Nationwide Children's Hospital); PubMed 29763623 (cited by Institute for Genomic Medicine (IGM) Clinical Laboratory, Nationwide Children's Hospital); PubMed 28912153 (cited by Institute for Genomic Medicine (IGM) Clinical Laboratory, Nationwide Children's Hospital).

NM_005228.5(EGFR):c.865G>A (p.Ala289Thr)

Gene: EGFR (epidermal growth factor receptor; plus strand). Cytogenetic location: 7p11.2.
Variant type: single nucleotide variant.
Coding change: c.865G>A on transcript NM_005228.5 (MANE Select); coding-DNA position 865, G replaced by A.
Protein change: p.Ala289Thr; replaces alanine 289 with threonine.
Molecular consequence: missense variant. On other transcripts: intron variant (1).
Genome position (GRCh38, 1-based): chr7:55,154,128, G>A. VCF-style: chr7-55154128-G-A. GRCh37 (hg19) VCF-style: chr7-55221821-G-A.
Other names: c.730G>A, p.Ala244Thr (NM_001346897.2, NM_001346899.2); c.865G>A, p.Ala289Thr (NM_001346898.2, NM_201282.2, NM_201283.2 and 1 more transcripts); c.706G>A, p.Ala236Thr (NM_001346900.2); c.89-1702G>A (NM_001346941.2); short protein forms A289T, A236T, A244T.
Identifiers: ClinVar variation 376395 (VCV000376395.7), dbSNP rs769696078, ClinGen allele CA4265376.